The following is an entry in ClinVar:

NM_005159.5(ACTC1):c.856A>G (p.Lys286Glu)

Genes: GJD2-DT (GJD2 divergent transcript; plus strand), ACTC1 (actin alpha cardiac muscle 1; minus strand). Cytogenetic location: 15q14.
Variant type: single nucleotide variant.
Coding change: c.856A>G on transcript NM_005159.5 (MANE Select); coding-DNA position 856, A replaced by G.
Protein change: p.Lys286Glu; replaces lysine 286 with glutamic acid.
Molecular consequence: missense variant.
Genome position (GRCh38, 1-based): chr15:34,791,248, T>C on the plus strand (A>G on the coding strand, the complement: ACTC1 is on the minus strand). VCF-style: chr15-34791248-T-C. GRCh37 (hg19) VCF-style: chr15-35083449-T-C.
Other names: c.856A>G, p.Lys286Glu (NM_001406482.1, NM_001406483.1); c.721A>G, p.Lys241Glu (NM_001406484.1); c.415A>G, p.Lys139Glu (NM_001406485.1); short protein forms K139E, K241E, K286E.
Identifiers: ClinVar variation 1721173 (VCV001721173.5), dbSNP rs2504177611, ClinGen allele CA391629565.

ClinVar aggregate classification (germline): Uncertain significance (1 of 4 stars; one submission).

Conditions:
Dilated cardiomyopathy 1R (CMD1R). Identifiers: Orphanet 154, Orphanet 54260, MedGen C3150681, MONDO:0013261, OMIM 613424.
Atrial septal defect 5 (ASD5). Identifiers: Orphanet 1478, MedGen C2748552, MONDO:0013011, OMIM 612794.
Hypertrophic cardiomyopathy 11. Also called: ACTC1-Related Familial Hypertrophic Cardiomyopathy. Identifiers: MedGen C2677506, MONDO:0012799, OMIM 612098.

Submission:

Labcorp Genetics (formerly Invitae), Labcorp
Classification: Uncertain significance for Dilated cardiomyopathy 1R; Hypertrophic cardiomyopathy 11; Atrial septal defect 5. Last evaluated: 2022-07-29. Review status: criteria provided, single submitter. Criteria: Invitae Variant Classification Sherloc (09022015). Collection method: clinical testing. Allele origin: germline.
Comment: This sequence change replaces lysine, which is basic and polar, with glutamic acid, which is acidic and polar, at codon 286 of the ACTC1 protein (p.Lys286Glu). In summary, the available evidence is currently insufficient to determine the role of this variant in disease. Therefore, it has been classified as a Variant of Uncertain Significance. Algorithms developed to predict the effect of missense changes on protein structure and function (SIFT, PolyPhen-2, Align-GVGD) all suggest that this variant is likely to be disruptive. This variant is not present in population databases (gnomAD no frequency). This variant has not been reported in the literature in individuals affected with ACTC1-related conditions.